The following is an entry in ClinVar:

ClinVar aggregate classification (germline): Pathogenic/Likely pathogenic. Review status: criteria provided, multiple submitters, no conflicts (2 of 4 stars). 3 submissions from 3 submitters: Pathogenic (1); Likely pathogenic (2). Last evaluated 2025-11-24.

Conditions:
Aminoglycoside-induced deafness. Also called: STREPTOMYCIN OTOTOXICITY; MT-RNR1-Related Hearing Loss and Deafness; DEAFNESS, STREPTOMYCIN-INDUCED. Identifiers: Orphanet 168609, MedGen C1838854, MONDO:0010799, OMIM 580000.
Acute infantile liver failure due to synthesis defect of mtDNA-encoded proteins. Also called: LIVER FAILURE, INFANTILE, TRANSIENT; TRMU Deficiency; Liver failure acute infantile. Identifiers: Orphanet 217371, MedGen C3278664, MONDO:0013111, OMIM 613070.

Submissions (3):

Natera, Inc.
Classification: Likely pathogenic for Acute infantile liver failure due to synthesis defect of mtDNA-encoded proteins. Last evaluated: 2025-11-24. Review status: criteria provided, single submitter. Criteria: Natera Variant Classification Schema (03/2026). Collection method: clinical testing. Allele origin: germline.
Comment: The c.458del variant in TRMU is a frameshift variant predicted to shift the reading frame beginning at codon 153 and leads to a stop codon 9 codons downstream. This variant is expected to result in nonsense mediated decay, truncation, or a dysfunctional protein product. This variant is rare in the general population with a frequency below the threshold expected for the associated phenotype(s). Given the available evidence, this variant is classified as Likely Pathogenic.

Baylor Genetics
Classification: Likely pathogenic for Aminoglycoside-induced deafness. Last evaluated: 2023-09-26. Review status: criteria provided, single submitter. Criteria: ACMG Guidelines, 2015. Collection method: clinical testing. Allele origin: unknown.

Labcorp Genetics (formerly Invitae), Labcorp
Classification: Pathogenic. Last evaluated: 2023-08-01. Review status: criteria provided, single submitter. Criteria: Invitae Variant Classification Sherloc (09022015). Collection method: clinical testing. Allele origin: germline.
Comment: This variant has not been reported in the literature in individuals affected with TRMU-related conditions. For these reasons, this variant has been classified as Pathogenic. This sequence change creates a premature translational stop signal (p.Asn153Ilefs*9) in the TRMU gene. It is expected to result in an absent or disrupted protein product. Loss-of-function variants in TRMU are known to be pathogenic (PMID: 19732863, 23625533). This variant is not present in population databases (gnomAD no frequency).

Literature cited by the submitters: PubMed 19732863 (cited by Labcorp Genetics (formerly Invitae), Labcorp); PubMed 23625533 (cited by Labcorp Genetics (formerly Invitae), Labcorp).

NM_018006.5(TRMU):c.458del (p.Asn153fs)

Gene: TRMU (tRNA mitochondrial 2-thiouridylase; plus strand). Cytogenetic location: 22q13.31.
Variant type: Deletion.
Coding change: c.458del on transcript NM_018006.5 (MANE Select); coding-DNA position 458, one base deleted (A; older notation c.458delA).
Protein change: p.Asn153fs; shifts the reading frame from asparagine 153.
Molecular consequence: frameshift variant. On other transcripts: non-coding transcript variant (2).
Genome position (GRCh38, 1-based): chr22:46,346,524, A deleted; the last of 3 consecutive A bases (chr22:46,346,522-46,346,524); deleting any one gives the same sequence. VCF-style (leftmost placement, unchanged base first): chr22-46346521-GA-G. GRCh37 (hg19) VCF-style: chr22-46742418-GA-G.
Other names: c.458delA, p.Asn153Ilefs (NM_001008568.2); c.*51delA (NM_001008570.2); c.116del, p.Asn39fs (NM_001282782.2); c.97del, p.Ile33fs (NM_001282783.2, NM_001282784.2); c.458del, p.Asn153fs (NM_001282785.2); c.458del (NM_018006.4); short protein forms I33fs, N153fs, N39fs.
Identifiers: ClinVar variation 2679273 (VCV002679273.5), dbSNP rs2518162686, ClinGen allele CA2577752698.